The following is an entry in ClinVar:

ClinVar aggregate classification (germline): Uncertain significance (1 of 4 stars; one submission).

Conditions:
Candidiasis, familial, 9 (CANDF9). Identifiers: Orphanet 1334, MedGen C4225324, MONDO:0014642, OMIM 616445.

Allele frequency attached by ClinVar (database versions not stated): 1000 Genomes Project 30x 0.00016; 1000 Genomes Project 0.00020; ExAC 0.00024; TOPMed 0.00025; gnomAD exomes 0.00027; gnomAD 0.00029 and 0.00031; ESP Exome Variant Server 0.00062.
gnomAD v4.1: 466 of 1,614,142 alleles (0.029%); highest among the groups gnomAD compares: South Asian, 0.097%; 1 homozygote.

Submission:

Labcorp Genetics (formerly Invitae), Labcorp
Classification: Uncertain significance for Candidiasis, familial, 9. Last evaluated: 2026-01-11. Review status: criteria provided, single submitter. Criteria: Invitae Variant Classification Sherloc (09022015). Collection method: clinical testing. Allele origin: germline.
Comment: This sequence change replaces threonine, which is neutral and polar, with methionine, which is neutral and non-polar, at codon 356 of the IL17RC protein (p.Thr356Met). This variant is present in population databases (rs117441424, gnomAD 0.07%), and has an allele count higher than expected for a pathogenic variant. This variant has not been reported in the literature in individuals affected with IL17RC-related conditions. ClinVar contains an entry for this variant (Variation ID: 640395). An algorithm developed to predict the effect of missense changes on protein structure and function (PolyPhen-2) suggests that this variant is likely to be tolerated. In summary, the available evidence is currently insufficient to determine the role of this variant in disease. Therefore, it has been classified as a Variant of Uncertain Significance.

NM_153460.4(IL17RC):c.854C>T (p.Thr285Met)

Gene: IL17RC (interleukin 17 receptor C; plus strand). Cytogenetic location: 3p25.3.
Variant type: single nucleotide variant.
Coding change: c.854C>T on transcript NM_153460.4 (MANE Select); coding-DNA position 854, C replaced by T.
Protein change: p.Thr285Met; replaces threonine 285 with methionine.
Molecular consequence: missense variant. On other transcripts: non-coding transcript variant (1).
Genome position (GRCh38, 1-based): chr3:9,928,197, C>T. VCF-style: chr3-9928197-C-T. GRCh37 (hg19) VCF-style: chr3-9969881-C-T.
Other names: c.854C>T, p.Thr285Met (NM_001203263.2, NM_001203264.2); c.809C>T, p.Thr270Met (NM_001203265.2, NM_001367280.1, NM_032732.6); c.815C>T, p.Thr272Met (NM_001367278.1); c.734C>T, p.Thr245Met (NM_001367279.1); c.1067C>T, p.Thr356Met (NM_153461.4); short protein forms T272M, T356M, T285M, T245M, T270M.
Identifiers: ClinVar variation 640395 (VCV000640395.8), dbSNP rs117441424, ClinGen allele CA2247021.